The following is an entry in ClinVar:

NM_004260.4(RECQL4):c.118+4A>G

Genes: RECQL4 (RecQ like helicase 4; minus strand), LOC130001411 (ATAC-STARR-seq lymphoblastoid silent region 19699; plus strand). Cytogenetic location: 8q24.3.
Variant type: single nucleotide variant.
Coding change: c.118+4A>G on transcript NM_004260.4 (MANE Select); 4 bases into the intron after coding-DNA position 118, A replaced by G.
Molecular consequence: intron variant.
Genome position (GRCh38, 1-based): chr8:144,517,598, T>C on the plus strand (A>G on the coding strand, the complement: RECQL4 is on the minus strand). VCF-style: chr8-144517598-T-C. GRCh37 (hg19) VCF-style: chr8-145742982-T-C.
Other names: c.84+103A>G (NM_001413025.1); c.118+4A>G (NM_001413029.1, NM_001413017.1, NM_001413020.1 and 5 more transcripts); c.-913+4A>G (NM_001413032.1); c.-851+4A>G (NM_001413035.1, NM_001413024.1); c.-1016+4A>G (NM_001413027.1, NM_001413031.1, NM_001413030.1 and 1 more transcripts); c.-859+4A>G (NM_001413040.1); c.-603+4A>G (NM_001413021.1); c.-679+4A>G (NM_001413028.1); and 3 more.
Identifiers: ClinVar variation 2875616 (VCV002875616.3), dbSNP rs775068771, ClinGen allele CA4949500.

ClinVar aggregate classification (germline): Uncertain significance (1 of 4 stars; one submission).

Conditions:
Baller-Gerold syndrome (BGS). Also called: CRANIOSYNOSTOSIS WITH RADIAL DEFECTS. Identifiers: Orphanet 1225, MedGen C0265308, MONDO:0009039, OMIM 218600.

Allele frequency attached by ClinVar (database versions not stated): gnomAD exomes 0.00002.
gnomAD v4.1: 11 of 1,480,306 alleles (0.00074%); highest among the groups gnomAD compares: East Asian, 0.025%; no homozygotes.

Submission:

Labcorp Genetics (formerly Invitae), Labcorp
Classification: Uncertain significance for Baller-Gerold syndrome. Last evaluated: 2026-01-26. Review status: criteria provided, single submitter. Criteria: Invitae Variant Classification Sherloc (09022015). Collection method: clinical testing. Allele origin: germline.
Comment: This sequence change falls in intron 2 of the RECQL4 gene. It does not directly change the encoded amino acid sequence of the RECQL4 protein. It affects a nucleotide within the consensus splice site. This variant is not present in population databases (gnomAD no frequency). This variant has not been reported in the literature in individuals affected with RECQL4-related conditions. ClinVar contains an entry for this variant (Variation ID: 2875616). Variants that disrupt the consensus splice site are a relatively common cause of aberrant splicing (PMID: 17576681, 9536098). Algorithms developed to predict the effect of sequence changes on RNA splicing suggest that this variant may disrupt the consensus splice site. In summary, the available evidence is currently insufficient to determine the role of this variant in disease. Therefore, it has been classified as a Variant of Uncertain Significance.

Literature cited by the submitters: PubMed 17576681; PubMed 9536098.